The following is an entry in ClinVar:

NM_001128225.3(SLC39A13):c.211T>C (p.Ser71Pro)

Gene: SLC39A13 (solute carrier family 39 member 13; plus strand). Cytogenetic location: 11p11.2.
Variant type: single nucleotide variant.
Coding change: c.211T>C on transcript NM_001128225.3 (MANE Select); coding-DNA position 211, T replaced by C.
Protein change: p.Ser71Pro; replaces serine 71 with proline.
Molecular consequence: missense variant. On other transcripts: non-coding transcript variant (1).
Genome position (GRCh38, 1-based): chr11:47,410,305, T>C. VCF-style: chr11-47410305-T-C. GRCh37 (hg19) VCF-style: chr11-47431856-T-C.
Other names: c.211T>C, p.Ser71Pro (NM_001330245.2, NM_152264.5); short protein forms S71P.
Identifiers: ClinVar variation 1702275 (VCV001702275.6), dbSNP rs983983551, ClinGen allele CA221687321.
Genomic context (GRCh38, chr11:47,410,305, plus strand): 5'-AAGGAAAGCGAGTCCTGGGGGGCTCTGCTGAGCGGAGAGCGGCTGGACACCTGGATCTGC[T>C]CCCTCCTGGGTTCCCTCATGGTGGGGCTCAGTGGGGTCTTCCCGTTGCTTGTCATTCCCC-3'
Protein context (NP_001121697.2, residues 61-81): SGERLDTWIC[Ser71Pro]LLGSLMVGLS

ClinVar aggregate classification (germline): Uncertain significance. Review status: criteria provided, multiple submitters, no conflicts (2 of 4 stars). 3 submissions from 3 submitters: Uncertain significance (3). Last evaluated 2025-06-12.

Conditions:
Inborn genetic diseases. Identifiers: MedGen C0950123, MeSH D030342.
Ehlers-Danlos syndrome (EDS). Identifiers: Orphanet 98249, MedGen C0013720, MONDO:0020066.
Ehlers-Danlos syndrome, spondylodysplastic type, 3. Also called: Ehlers-Danlos syndrome, spondylocheirodysplastic type. Identifiers: Orphanet 157965, MedGen C2676510, MONDO:0012873, OMIM 612350.

Allele frequency attached by ClinVar (database versions not stated): gnomAD exomes 0.00001.
gnomAD v4.1: 4 of 1,614,060 alleles (0.00025%); highest among the groups gnomAD compares: South Asian, 0.0033%; no homozygotes.

Submissions (3):

Ambry Genetics
Classification: Uncertain significance for Inborn genetic diseases. Last evaluated: 2025-06-12. Review status: criteria provided, single submitter. Criteria: Ambry Variant Classification Scheme 2023. Collection method: clinical testing. Allele origin: germline.

Labcorp Genetics (formerly Invitae), Labcorp
Classification: Uncertain significance for Ehlers-Danlos syndrome, spondylodysplastic type, 3. Last evaluated: 2024-07-15. Review status: criteria provided, single submitter. Criteria: Invitae Variant Classification Sherloc (09022015). Collection method: clinical testing. Allele origin: germline.
Comment: This sequence change replaces serine, which is neutral and polar, with proline, which is neutral and non-polar, at codon 71 of the SLC39A13 protein (p.Ser71Pro). This variant is not present in population databases (gnomAD no frequency). This variant has not been reported in the literature in individuals affected with SLC39A13-related conditions. ClinVar contains an entry for this variant (Variation ID: 1702275). Advanced modeling of protein sequence and biophysical properties (such as structural, functional, and spatial information, amino acid conservation, physicochemical variation, residue mobility, and thermodynamic stability) performed at Invitae indicates that this missense variant is not expected to disrupt SLC39A13 protein function with a negative predictive value of 80%. In summary, the available evidence is currently insufficient to determine the role of this variant in disease. Therefore, it has been classified as a Variant of Uncertain Significance.

Genome Diagnostics Laboratory, The Hospital for Sick Children
Classification: Uncertain significance for Ehlers-Danlos syndrome. Last evaluated: 2020-12-10. Review status: criteria provided, single submitter. Criteria: ACMG Guidelines, 2015. Collection method: clinical testing. Allele origin: germline.